The following is an entry in ClinVar:

NM_144670.6(A2ML1):c.1415T>C (p.Val472Ala)

Gene: A2ML1 (alpha-2-macroglobulin like 1; plus strand). Cytogenetic location: 12p13.31.
Variant type: single nucleotide variant.
Coding change: c.1415T>C on transcript NM_144670.6 (MANE Select); coding-DNA position 1415, T replaced by C.
Protein change: p.Val472Ala; replaces valine 472 with alanine.
Molecular consequence: missense variant.
Genome position (GRCh38, 1-based): chr12:8,843,300, T>C. VCF-style: chr12-8843300-T-C. GRCh37 (hg19) VCF-style: chr12-8995896-T-C.
Other names: short protein forms V472A.
Identifiers: ClinVar variation 2981032 (VCV002981032.3), dbSNP rs772464311, ClinGen allele CA6435645.

ClinVar aggregate classification (germline): Uncertain significance (1 of 4 stars; one submission).

Allele frequency attached by ClinVar (database versions not stated): ExAC 0.00002; gnomAD 0.00002; TOPMed 0.00002; 1000 Genomes Project 0.00020; 1000 Genomes Project 30x 0.00031.
gnomAD v4.1: 3 of 1,614,106 alleles (0.00019%); highest among the groups gnomAD compares: African/African-American, 0.004%; no homozygotes.

Submission:

Labcorp Genetics (formerly Invitae), Labcorp
Classification: Uncertain significance. Last evaluated: 2023-01-24. Review status: criteria provided, single submitter. Criteria: Invitae Variant Classification Sherloc (09022015). Collection method: clinical testing. Allele origin: germline.
Comment: This variant has not been reported in the literature in individuals affected with A2ML1-related conditions. In summary, the available evidence is currently insufficient to determine the role of this variant in disease. Therefore, it has been classified as a Variant of Uncertain Significance. Algorithms developed to predict the effect of missense changes on protein structure and function (SIFT, PolyPhen-2, Align-GVGD) all suggest that this variant is likely to be disruptive. This variant is present in population databases (rs772464311, gnomAD 0.01%). This sequence change replaces valine, which is neutral and non-polar, with alanine, which is neutral and non-polar, at codon 472 of the A2ML1 protein (p.Val472Ala).